The following is an entry in ClinVar:

NM_201548.5(CERKL):c.677+621C>A

Gene: CERKL (CERK like autophagy regulator; minus strand). Cytogenetic location: 2q31.3.
Variant type: single nucleotide variant.
Coding change: c.677+621C>A on transcript NM_201548.5 (MANE Select); 621 bases into the intron after coding-DNA position 677, C replaced by A.
Molecular consequence: intron variant. On other transcripts: missense variant (2).
Genome position (GRCh38, 1-based): chr2:181,565,437, G>T on the plus strand (C>A on the coding strand, the complement: CERKL is on the minus strand). VCF-style: chr2-181565437-G-T. GRCh37 (hg19) VCF-style: chr2-182430164-G-T.
Other names: c.751C>A, p.Pro251Thr (NM_001030311.3); c.619C>A, p.Pro207Thr (NM_001160277.2); c.482-15729C>A (NM_001030312.3); c.613+8316C>A (NM_001030313.3); short protein forms P207T, P251T.
Identifiers: ClinVar variation 2821343 (VCV002821343.4), dbSNP rs1688621483, ClinGen allele CA349742398.

ClinVar aggregate classification (germline): Uncertain significance. Review status: criteria provided, multiple submitters, no conflicts (2 of 4 stars). 2 submissions from 2 submitters: Uncertain significance (2). Last evaluated 2023-10-01.

Conditions:
Retinal dystrophy. Also called: Inherited retinal dystrophy. Identifiers: Orphanet 71862, MedGen C0854723, MeSH D058499, MONDO:0019118, HP:0000556.

Submissions (2):

Dept Of Ophthalmology, Nagoya University
Classification: Uncertain significance for Retinal dystrophy. Last evaluated: 2023-10-01. Review status: criteria provided, single submitter. Criteria: Submitter's publication. Collection method: research. Allele origin: germline. Affected: yes.

Labcorp Genetics (formerly Invitae), Labcorp
Classification: Uncertain significance. Last evaluated: 2022-12-16. Review status: criteria provided, single submitter. Criteria: Invitae Variant Classification Sherloc (09022015). Collection method: clinical testing. Allele origin: germline.
Comment: Algorithms developed to predict the effect of missense changes on protein structure and function (SIFT, PolyPhen-2, Align-GVGD) all suggest that this variant is likely to be tolerated. In summary, the available evidence is currently insufficient to determine the role of this variant in disease. Therefore, it has been classified as a Variant of Uncertain Significance. This sequence change replaces proline, which is neutral and non-polar, with threonine, which is neutral and polar, at codon 251 of the CERKL protein (p.Pro251Thr). This variant is not present in population databases (gnomAD no frequency). This variant has not been reported in the literature in individuals affected with CERKL-related conditions.